The following is an entry in ClinVar:

ClinVar aggregate classification (germline): Uncertain significance (1 of 4 stars; one submission).

Allele frequency attached by ClinVar (database versions not stated): TOPMed 0.00001.

Submission:

GeneDx
Classification: Uncertain significance. Last evaluated: 2025-08-15. Review status: criteria provided, single submitter. Criteria: GeneDx Variant Classification Process June 2021. Collection method: clinical testing. Allele origin: germline. Affected: yes.
Comment: Not observed at significant frequency in large population cohorts (gnomAD); In silico analysis supports that this missense variant has a deleterious effect on protein structure/function; Has not been previously published as pathogenic or benign to our knowledge

NM_006035.4(CDC42BPB):c.324C>G (p.Asn108Lys)

Gene: CDC42BPB (CDC42 binding protein kinase beta; minus strand). Cytogenetic location: 14q32.32.
Variant type: single nucleotide variant.
Coding change: c.324C>G on transcript NM_006035.4 (MANE Select); coding-DNA position 324, C replaced by G.
Protein change: p.Asn108Lys; replaces asparagine 108 with lysine.
Molecular consequence: missense variant.
Genome position (GRCh38, 1-based): chr14:103,008,499, G>C on the plus strand (C>G on the coding strand, the complement: CDC42BPB is on the minus strand). VCF-style: chr14-103008499-G-C. GRCh37 (hg19) VCF-style: chr14-103474836-G-C.
Other names: c.324C>G, p.Asn108Lys (NM_001411054.1); short protein forms N108K.
Identifiers: ClinVar variation 2505845 (VCV002505845.2), dbSNP rs1885973429, ClinGen allele CA391074084.